The following is an entry in ClinVar:

ClinVar aggregate classification (germline): Uncertain significance (1 of 4 stars; one submission).

gnomAD v4.1: 1 of 1,614,122 alleles (0.000062%); no homozygotes.

Submission:

Labcorp Genetics (formerly Invitae), Labcorp
Classification: Uncertain significance. Last evaluated: 2022-03-10. Review status: criteria provided, single submitter. Criteria: Invitae Variant Classification Sherloc (09022015). Collection method: clinical testing. Allele origin: germline.
Comment: This variant has not been reported in the literature in individuals affected with CEP250-related conditions. In summary, the available evidence is currently insufficient to determine the role of this variant in disease. Therefore, it has been classified as a Variant of Uncertain Significance. Algorithms developed to predict the effect of missense changes on protein structure and function are either unavailable or do not agree on the potential impact of this missense change (SIFT: "Not Available"; PolyPhen-2: "Benign"; Align-GVGD: "Not Available"). This variant is not present in population databases (gnomAD no frequency). This sequence change replaces leucine, which is neutral and non-polar, with proline, which is neutral and non-polar, at codon 1085 of the CEP250 protein (p.Leu1085Pro).

NM_007186.6(CEP250):c.3254T>C (p.Leu1085Pro)

Gene: CEP250 (centrosomal protein 250; plus strand). Cytogenetic location: 20q11.22.
Variant type: single nucleotide variant.
Coding change: c.3254T>C on transcript NM_007186.6 (MANE Select); coding-DNA position 3254, T replaced by C.
Protein change: p.Leu1085Pro; replaces leucine 1085 with proline.
Molecular consequence: missense variant.
Genome position (GRCh38, 1-based): chr20:35,496,663, T>C. VCF-style: chr20-35496663-T-C. GRCh37 (hg19) VCF-style: chr20-34084492-T-C.
Other names: c.1358T>C, p.Leu453Pro (NM_001318219.1); short protein forms L1085P, L453P.
Identifiers: ClinVar variation 1496724 (VCV001496724.8), dbSNP rs2063843633, ClinGen allele CA408742643.
Genomic context (GRCh38, chr20:35,496,663, plus strand): 5'-AACAGAGACTCCTTGTTTTACAAGAAGCTGACTCTATTCGACAACAAGAGCTGAGTGCCC[T>C]GCGCCAGGACATGCAGGAGGCCCAGGGAGAACAGAAAGAGCTCAGTGCTCAGGTACTTCC-3'
Protein context (NP_009117.2, residues 1075-1095): DSIRQQELSA[Leu1085Pro]RQDMQEAQGE